The following is an entry in ClinVar:

NM_001368894.2(PAX6):c.193G>C (p.Gly65Arg)

Gene: PAX6 (paired box 6; minus strand). Cytogenetic location: 11p13.
Variant type: single nucleotide variant.
Coding change: c.193G>C on transcript NM_001368894.2 (MANE Select); coding-DNA position 193, G replaced by C.
Protein change: p.Gly65Arg; replaces glycine 65 with arginine.
Molecular consequence: missense variant. On other transcripts: 5 prime UTR variant (14), non-coding transcript variant (2).
Genome position (GRCh38, 1-based): chr11:31,801,767, C>G on the plus strand (G>C on the coding strand, the complement: PAX6 is on the minus strand). VCF-style: chr11-31801767-C-G. GRCh37 (hg19) VCF-style: chr11-31823315-C-G.
Other names: c.151G>C, p.Gly51Arg (NM_000280.6, NM_001127612.3, NM_001258464.2 and 11 more transcripts); c.193G>C, p.Gly65Arg (NM_001258462.3, NM_001258463.2, NM_001310158.2 and 13 more transcripts); c.-589G>C (NM_001310160.2, NM_001368902.2, NM_001368905.2); c.-258G>C (NM_001310161.3, NM_001368899.2, NM_001368900.2 and 8 more transcripts); c.394G>C, p.Gly132Arg (NM_001368910.2); c.196G>C, p.Gly66Arg (NM_001368911.2); c.268G>C, p.Gly90Arg (NM_001368918.2, NM_001368919.2); c.226G>C, p.Gly76Arg (NM_001368920.2); short protein forms G132R, G51R, G65R, G66R, G76R, G90R.
Identifiers: ClinVar variation 3345681 (VCV003345681.1).

ClinVar aggregate classification (germline): Likely pathogenic (0 of 4 stars; one submission).

Conditions:
PAX6-related disorder. Also called: PAX6-related disorders; PAX6-related condition.

Submission:

PreventionGenetics, part of Exact Sciences
Classification: Likely pathogenic for PAX6-related condition. Last evaluated: 2024-07-03. Review status: no assertion criteria provided. Collection method: clinical testing. Allele origin: germline.
Comment: The PAX6 c.193G>C variant is predicted to result in the amino acid substitution p.Gly65Arg. In an alternate transcript (NM_000280.4), this variant is also known as c.151G>C (p.Gly51Arg). To our knowledge, this nucleotide substitution has not been reported in the literature or in a large population database, indicating this variant is rare. However, a different nucleotide substitution at the same position (c.151G>A), resulting in the same amino acid change (p.Gly51Arg), has been documented in patients with PAX6-related eye disorders and de novo occurrences have been noted (Cross et al. 2020. PubMed ID: 32360764; Patient 1235 and 4091 in Williamson et al. 2020. PubMed ID: 31700164; Patient 22 in Table S3 in Rossen et al. 2023. PubMed ID: 36980880). In addition, other variants impacting the same amino acid (Gly51Ala and Gly51Val) have also been documented in patients with PAX6-related disorders (Nallathambi et al. 2006. PubMed ID: 16604056; Prokudin et al. 2014. PubMed ID: 24281366). Based on this evidence we interpret the c.193G>C (p.Gly65Arg) variant as likely pathogenic.